The following is an entry in ClinVar:

NM_001204.7(BMPR2):c.1237T>C (p.Tyr413His)

Gene: BMPR2 (bone morphogenetic protein receptor type 2; plus strand). Cytogenetic location: 2q33.2.
Variant type: single nucleotide variant.
Coding change: c.1237T>C on transcript NM_001204.7 (MANE Select); coding-DNA position 1237, T replaced by C.
Protein change: p.Tyr413His; replaces tyrosine 413 with histidine.
Molecular consequence: missense variant.
Genome position (GRCh38, 1-based): chr2:202,532,693, T>C. VCF-style: chr2-202532693-T-C. GRCh37 (hg19) VCF-style: chr2-203397416-T-C.
Other names: short protein forms Y413H.
Identifiers: ClinVar variation 4214489 (VCV004214489.1).

ClinVar aggregate classification (germline): Uncertain significance (1 of 4 stars; one submission).

Conditions:
Inborn genetic diseases. Identifiers: MedGen C0950123, MeSH D030342.

gnomAD v4.1: 5 of 1,613,528 alleles (0.00031%); highest among the groups gnomAD compares: Non-Finnish European, 0.00034%; no homozygotes.

Submission:

Ambry Genetics
Classification: Uncertain significance for Inborn genetic diseases. Last evaluated: 2025-08-08. Review status: criteria provided, single submitter. Criteria: Ambry Variant Classification Scheme 2023. Collection method: clinical testing. Allele origin: germline.
Comment: The p.Y413H variant (also known as c.1237T>C), located in coding exon 9 of the BMPR2 gene, results from a T to C substitution at nucleotide position 1237. The tyrosine at codon 413 is replaced by histidine, an amino acid with similar properties. This amino acid position is conserved. In addition, this alteration is predicted to be deleterious by in silico analysis. Based on the available evidence, the clinical significance of this variant remains unclear.